The following is an entry in ClinVar:

ClinVar aggregate classification (germline): Conflicting classifications of pathogenicity. Review status: criteria provided, conflicting classifications (1 of 4 stars). 4 submissions from 4 submitters: Likely pathogenic (1); Uncertain significance (1). 2 of the submissions do not count toward it. Last evaluated 2026-07-07.

Conditions:
Amelogenesis imperfecta, type 1J (AI1J). Also called: Amelogenesis imperfecta, type IJ. Identifiers: MedGen C4310630, MONDO:0015008, OMIM 617297.
Amelogenesis imperfecta type 1. Identifiers: Orphanet 100031, MedGen C0399367, MONDO:0015047.
Amelogenesis imperfecta (AI). Also called: Congenital enamel hypoplasia. Identifiers: Orphanet 88661, MedGen C0002452, MONDO:0019507, HP:0000705.

Allele frequency attached by ClinVar (database versions not stated): gnomAD exomes below 0.00001 and 0.00001; TOPMed below 0.00001; ExAC 0.00002.

Submissions (4):

Institute of Human Genetics, University of Leipzig Medical Center
Classification: Likely pathogenic for Amelogenesis imperfecta, type 1J. Last evaluated: 2026-07-07. Review status: criteria provided, single submitter. Criteria: ACMG Guidelines, 2015. Collection method: clinical testing. Allele origin: inherited. Inheritance: Autosomal recessive inheritance. Affected: yes.
Comment: Criteria applied: PM3_STR,PM2

Department of Pathology and Laboratory Medicine, Sinai Health System
Classification: Uncertain significance for amelogenesis imperfecta type 1. Last evaluated: 2023-04-03. Review status: criteria provided, single submitter. Criteria: ACMG Guidelines, 2015. Collection method: research. Allele origin: germline.

Dental Genetics Laboratory, Seoul National University School of Dentistry
Classification: Uncertain significance for Amelogenesis Imperfecta. Last evaluated: 2021-02-03. Review status: no assertion criteria provided. Collection method: clinical testing. Allele origin: paternal. Affected: yes. Not counted in ClinVar's aggregate classification.

OMIM
Classification: Pathogenic for AMELOGENESIS IMPERFECTA IJ. Last evaluated: 2019-08-15. Review status: no assertion criteria provided. Collection method: literature only. Allele origin: germline. Not counted in ClinVar's aggregate classification.

Literature cited by the submitters: PubMed 27843125 (cited by OMIM).

NM_033068.3(ACP4):c.713C>T (p.Ser238Leu)

Gene: ACP4 (acid phosphatase 4; plus strand). Cytogenetic location: 19q13.33.
Variant type: single nucleotide variant.
Coding change: c.713C>T on transcript NM_033068.3 (MANE Select); coding-DNA position 713, C replaced by T.
Protein change: p.Ser238Leu; replaces serine 238 with leucine.
Molecular consequence: missense variant.
Genome position (GRCh38, 1-based): chr19:50,793,751, C>T. VCF-style: chr19-50793751-C-T. GRCh37 (hg19) VCF-style: chr19-51297008-C-T.
Other names: ACP4, SER238LEU (rs763573828); short protein forms S238L.
Identifiers: ClinVar variation 374862 (VCV000374862.7), dbSNP rs763573828, ClinGen allele CA9603108.
Genomic context (GRCh38, chr19:50,793,751, plus strand): 5'-ACGGTCTTCCACTACCAGCCTGGGCCTCCCCAGATGTCCTGCGGACTCTTGCCCAGATCT[C>T]GGCTTTGGATATTGGAGCCCACGTGGGCCCACCCCGGGCAGCAGAGAAGGCCCAGCTGAC-3'
Protein context (NP_149059.1, residues 228-248): PDVLRTLAQI[Ser238Leu]ALDIGAHVGP